The following is an entry in ClinVar:

ClinVar aggregate classification (germline): Uncertain significance (1 of 4 stars; one submission).

Conditions:
Arrhythmogenic right ventricular dysplasia 10. Also called: Arrhythmogenic right ventricular dysplasia/cardiomyopathy, type 10; ARRHYTHMOGENIC RIGHT VENTRICULAR DYSPLASIA, FAMILIAL, 10; Arrhythmogenic Right Ventricular Dysplasia/Cardiomyopathy10. Identifiers: MedGen C1857777, MONDO:0012434, OMIM 610193.

Submission:

Labcorp Genetics (formerly Invitae), Labcorp
Classification: Uncertain significance for Arrhythmogenic right ventricular dysplasia 10. Last evaluated: 2021-08-19. Review status: criteria provided, single submitter. Criteria: Invitae Variant Classification Sherloc (09022015). Collection method: clinical testing. Allele origin: germline.
Comment: In summary, the available evidence is currently insufficient to determine the role of this variant in disease. Therefore, it has been classified as a Variant of Uncertain Significance. Algorithms developed to predict the effect of missense changes on protein structure and function are either unavailable or do not agree on the potential impact of this missense change (SIFT: "Deleterious"; PolyPhen-2: "Probably Damaging"; Align-GVGD: "Class C15"). This variant has not been reported in the literature in individuals affected with DSG2-related conditions. This variant is not present in population databases (ExAC no frequency). This sequence change replaces glycine with valine at codon 100 of the DSG2 protein (p.Gly100Val). The glycine residue is highly conserved and there is a moderate physicochemical difference between glycine and valine.

NM_001943.5(DSG2):c.299G>T (p.Gly100Val)

Gene: DSG2 (desmoglein 2; plus strand). Cytogenetic location: 18q12.1.
Variant type: single nucleotide variant.
Coding change: c.299G>T on transcript NM_001943.5 (MANE Select); coding-DNA position 299, G replaced by T.
Protein change: p.Gly100Val; replaces glycine 100 with valine.
Molecular consequence: missense variant.
Genome position (GRCh38, 1-based): chr18:31,520,885, G>T. VCF-style: chr18-31520885-G-T. GRCh37 (hg19) VCF-style: chr18-29100848-G-T.
Other names: short protein forms G100V.
Identifiers: ClinVar variation 1372464 (VCV001372464.6), dbSNP rs1236559318, ClinGen allele CA402131516.